The following is an entry in ClinVar:

NM_001458.5(FLNC):c.5194G>C (p.Val1732Leu)

Gene: FLNC (filamin C; plus strand). Cytogenetic location: 7q32.1.
Variant type: single nucleotide variant.
Coding change: c.5194G>C on transcript NM_001458.5 (MANE Select); coding-DNA position 5194, G replaced by C.
Protein change: p.Val1732Leu; replaces valine 1732 with leucine.
Molecular consequence: missense variant.
Genome position (GRCh38, 1-based): chr7:128,849,573, G>C. VCF-style: chr7-128849573-G-C. GRCh37 (hg19) VCF-style: chr7-128489627-G-C.
Other names: c.5194G>C, p.Val1732Leu (NM_001127487.2); short protein forms V1732L.
Identifiers: ClinVar variation 1717052 (VCV001717052.6), dbSNP rs374848954, ClinGen allele CA4475579.

ClinVar aggregate classification (germline): Uncertain significance (1 of 4 stars; one submission).

Conditions:
Myofibrillar myopathy 5. Also called: Filaminopathy (type); FILAMINOPATHY, AUTOSOMAL DOMINANT. Identifiers: Orphanet 171445, MedGen C1836050, MONDO:0012289, OMIM 609524.
Distal myopathy with posterior leg and anterior hand involvement. Also called: WILLIAMS DISTAL MYOPATHY. Identifiers: Orphanet 63273, MedGen C3279722, MONDO:0013550, OMIM 614065.
Hypertrophic cardiomyopathy 26. Also called: Cardiomyopathy, familial hypertrophic, 26. Identifiers: Orphanet 75249, MedGen C4310749, MONDO:0014883, OMIM 617047.

gnomAD v4.1: 2 of 1,613,720 alleles (0.00012%); highest among the groups gnomAD compares: African/African-American, 0.0013%; no homozygotes.

Submission:

Labcorp Genetics (formerly Invitae), Labcorp
Classification: Uncertain significance for Distal myopathy with posterior leg and anterior hand involvement; Myofibrillar myopathy 5; Hypertrophic cardiomyopathy 26. Last evaluated: 2026-01-05. Review status: criteria provided, single submitter. Criteria: Invitae Variant Classification Sherloc (09022015). Collection method: clinical testing. Allele origin: germline.
Comment: This sequence change replaces valine, which is neutral and non-polar, with leucine, which is neutral and non-polar, at codon 1732 of the FLNC protein (p.Val1732Leu). This variant is present in population databases (rs374848954, gnomAD 0.0009%). This variant has not been reported in the literature in individuals affected with FLNC-related conditions. ClinVar contains an entry for this variant (Variation ID: 1717052). Invitae Evidence Modeling of protein sequence and biophysical properties (such as structural, functional, and spatial information, amino acid conservation, physicochemical variation, residue mobility, and thermodynamic stability) has been performed for this missense variant. However, the output from this modeling did not meet the statistical confidence thresholds required to predict the impact of this variant on FLNC protein function. In summary, the available evidence is currently insufficient to determine the role of this variant in disease. Therefore, it has been classified as a Variant of Uncertain Significance.